The following is an entry in ClinVar:

NM_015378.4(VPS13D):c.196C>T (p.Leu66Phe)

Gene: VPS13D (vacuolar protein sorting 13 homolog D; plus strand). Cytogenetic location: 1p36.22.
Variant type: single nucleotide variant.
Coding change: c.196C>T on transcript NM_015378.4 (MANE Select); coding-DNA position 196, C replaced by T.
Protein change: p.Leu66Phe; replaces leucine 66 with phenylalanine.
Molecular consequence: missense variant.
Genome position (GRCh38, 1-based): chr1:12,244,266, C>T. VCF-style: chr1-12244266-C-T. GRCh37 (hg19) VCF-style: chr1-12304323-C-T.
Other names: c.196C>T, p.Leu66Phe (NM_018156.4); c.196C>T (NM_015378.2); short protein forms L66F.
Identifiers: ClinVar variation 2504147 (VCV002504147.4), dbSNP rs746112645, ClinGen allele CA601150.

ClinVar aggregate classification (germline): Uncertain significance. Review status: criteria provided, multiple submitters, no conflicts (2 of 4 stars). 3 submissions from 3 submitters: Uncertain significance (3). Last evaluated 2026-09-01.

Conditions:
Inborn genetic diseases. Identifiers: MedGen C0950123, MeSH D030342.

Allele frequency attached by ClinVar (database versions not stated): ExAC 0.00003; gnomAD 0.00003; gnomAD exomes 0.00004; TOPMed 0.00006.
gnomAD v4.1: 59 of 1,613,174 alleles (0.0037%); highest among the groups gnomAD compares: Non-Finnish European, 0.0042%; no homozygotes.

Submissions (3):

CeGaT Center for Human Genetics Tuebingen
Classification: Uncertain significance. Last evaluated: 2026-09-01. Review status: criteria provided, single submitter. Criteria: CeGaT Center For Human Genetics Tuebingen Variant Classification Criteria Version 2. Collection method: clinical testing. Allele origin: germline. Affected: yes. Observed: 1 variant allele.
Comment: VPS13D: PM2, PP3

Ambry Genetics
Classification: Uncertain significance for Inborn genetic diseases. Last evaluated: 2024-10-20. Review status: criteria provided, single submitter. Criteria: Ambry Variant Classification Scheme 2023. Collection method: clinical testing. Allele origin: germline.

Centre of Medical Genetics, University Hospital Muenster
Classification: Uncertain significance. Last evaluated: 2023-03-23. Review status: criteria provided, single submitter. Criteria: ACMG Guidelines, 2015. Collection method: clinical testing. Allele origin: unknown. Affected: yes. Observed: 1 variant allele, 1 heterozygote.
Comment: ACMG categories: PM2,BP4